The following is an entry in ClinVar:

NM_001348323.3(TRIP12):c.3617A>G (p.Asn1206Ser)

Gene: TRIP12 (thyroid hormone receptor interactor 12; minus strand). Cytogenetic location: 2q36.3.
Variant type: single nucleotide variant.
Coding change: c.3617A>G on transcript NM_001348323.3 (MANE Select); coding-DNA position 3617, A replaced by G.
Protein change: p.Asn1206Ser; replaces asparagine 1206 with serine.
Molecular consequence: missense variant.
Genome position (GRCh38, 1-based): chr2:229,797,697, T>C on the plus strand (A>G on the coding strand, the complement: TRIP12 is on the minus strand). VCF-style: chr2-229797697-T-C. GRCh37 (hg19) VCF-style: chr2-230662413-T-C.
Other names: c.3530A>G, p.Asn1177Ser (NM_001348332.1); c.3539A>G, p.Asn1180Ser (NM_001348333.1); c.3392A>G, p.Asn1131Ser (NM_004238.3); c.3620A>G, p.Asn1207Ser (NM_001348330.2, NM_001348321.1, NM_001348328.1 and 1 more transcripts); c.3410A>G, p.Asn1137Ser (NM_001348331.1); c.3536A>G, p.Asn1179Ser (NM_001284214.2, NM_001348315.2); c.3491A>G, p.Asn1164Ser (NM_001284215.2, NM_001348316.2, NM_001348317.1 and 1 more transcripts); c.2582A>G, p.Asn861Ser (NM_001284216.2); and 1 more; short protein forms N1131S, N1137S, N1164S, N1177S, N1179S, N1180S, N1206S, N1207S.
Identifiers: ClinVar variation 2651981 (VCV002651981.24), dbSNP rs1003150959, ClinGen allele CA66699766.

ClinVar aggregate classification (germline): Uncertain significance (1 of 4 stars; one submission).

Allele frequency attached by ClinVar (database versions not stated): TOPMed 0.00002.
gnomAD v4.1: 6 of 1,612,780 alleles (0.00037%); highest among the groups gnomAD compares: African/African-American, 0.0013%; no homozygotes.

Submission:

CeGaT Center for Human Genetics Tuebingen
Classification: Uncertain significance. Last evaluated: 2023-09-01. Review status: criteria provided, single submitter. Criteria: CeGaT Center For Human Genetics Tuebingen Variant Classification Criteria Version 2. Collection method: clinical testing. Allele origin: germline. Affected: yes. Observed: 1 variant allele.
Comment: TRIP12: PM2